The following is an entry in ClinVar:

ClinVar aggregate classification (germline): Uncertain significance. Review status: criteria provided, multiple submitters, no conflicts (2 of 4 stars). 2 submissions from 2 submitters: Uncertain significance (2). Last evaluated 2025-04-25.

gnomAD v4.1: 103 of 1,614,024 alleles (0.0064%); highest among the groups gnomAD compares: Middle Eastern, 0.016%; no homozygotes.

Submissions (2):

Labcorp Genetics (formerly Invitae), Labcorp
Classification: Uncertain significance. Last evaluated: 2025-04-25. Review status: criteria provided, single submitter. Criteria: Invitae Variant Classification Sherloc (09022015). Collection method: clinical testing. Allele origin: germline.
Comment: This sequence change replaces arginine, which is basic and polar, with histidine, which is basic and polar, at codon 828 of the KANK2 protein (p.Arg828His). This variant is present in population databases (rs200363050, gnomAD 0.007%). This variant has not been reported in the literature in individuals affected with KANK2-related conditions. ClinVar contains an entry for this variant (Variation ID: 2179294). An algorithm developed to predict the effect of missense changes on protein structure and function outputs the following: PolyPhen-2: "Benign". The histidine amino acid residue is found in multiple mammalian species, which suggests that this missense change does not adversely affect protein function. In summary, the available evidence is currently insufficient to determine the role of this variant in disease. Therefore, it has been classified as a Variant of Uncertain Significance.

Ambry Genetics
Classification: Uncertain significance. Last evaluated: 2023-05-26. Review status: criteria provided, single submitter. Criteria: Ambry Variant Classification Scheme 2023. Collection method: clinical testing. Allele origin: germline.

NM_001136191.3(KANK2):c.2483G>A (p.Arg828His)

Gene: KANK2 (KN motif and ankyrin repeat domains 2; minus strand). Cytogenetic location: 19p13.2.
Variant type: single nucleotide variant.
Coding change: c.2483G>A on transcript NM_001136191.3 (MANE Select); coding-DNA position 2483, G replaced by A.
Protein change: p.Arg828His; replaces arginine 828 with histidine.
Molecular consequence: missense variant.
Genome position (GRCh38, 1-based): chr19:11,169,896, C>T on the plus strand (G>A on the coding strand, the complement: KANK2 is on the minus strand). VCF-style: chr19-11169896-C-T. GRCh37 (hg19) VCF-style: chr19-11280572-C-T.
Other names: c.2483G>A, p.Arg828His (NM_001329451.2, NM_001379555.1, NM_001379556.1 and 7 more transcripts); c.2507G>A, p.Arg836His (NM_001379548.1, NM_001379549.1, NM_001379550.1 and 5 more transcripts); c.2507G>A (NM_015493.6); short protein forms R828H, R836H.
Identifiers: ClinVar variation 2179294 (VCV002179294.6), dbSNP rs200363050, ClinGen allele CA9205243.